The following is an entry in ClinVar:

NM_001177316.2(SLC34A3):c.1584_1585del (p.Ile529fs)

Gene: SLC34A3 (solute carrier family 34 member 3; plus strand). Cytogenetic location: 9q34.3.
Variant type: Deletion.
Coding change: c.1584_1585del on transcript NM_001177316.2 (MANE Select); coding-DNA positions 1584 to 1585, 2 bases deleted (CA; older notation c.1584_1585delCA).
Protein change: p.Ile529fs; shifts the reading frame from isoleucine 529.
Molecular consequence: frameshift variant.
Genome position (GRCh38, 1-based): chr9:137,236,200-137,236,201, CA deleted. VCF-style (leftmost placement, unchanged base first): chr9-137236199-TCA-T. GRCh37 (hg19) VCF-style: chr9-140130651-TCA-T.
Other names: c.1584_1585del, p.Ile529fs (NM_001177317.2, NM_080877.3); short protein forms I529fs.
Identifiers: ClinVar variation 1070104 (VCV001070104.9), dbSNP rs2131425175, ClinGen allele CA2499219806.

ClinVar aggregate classification (germline): Pathogenic (1 of 4 stars; one submission).

Submission:

Labcorp Genetics (formerly Invitae), Labcorp
Classification: Pathogenic. Last evaluated: 2021-03-12. Review status: criteria provided, single submitter. Criteria: Invitae Variant Classification Sherloc (09022015). Collection method: clinical testing. Allele origin: germline.
Comment: For these reasons, this variant has been classified as Pathogenic. This variant disrupts the C-terminus of the SLC34A3 protein. Other variant(s) that disrupt this region (p.Trp541*) have been determined to be pathogenic (PMID: 31440709, Invitae). This suggests that variants that disrupt this region of the protein are likely to be causative of disease. This variant has not been reported in the literature in individuals with SLC34A3-related conditions. This variant is not present in population databases (ExAC no frequency). This sequence change results in a premature translational stop signal in the SLC34A3 gene (p.Ile529Profs*63). While this is not anticipated to result in nonsense mediated decay, it is expected to disrupt the last 71 amino acids of the SLC34A3 protein.

Literature cited by the submitters: PubMed 31440709.